The following is an entry in ClinVar:

ClinVar aggregate classification (germline): Likely benign (1 of 4 stars; one submission).

Submission:

CeGaT Center for Human Genetics Tuebingen
Classification: Likely benign. Last evaluated: 2026-03-01. Review status: criteria provided, single submitter. Criteria: CeGaT Center For Human Genetics Tuebingen Variant Classification Criteria Version 2. Collection method: clinical testing. Allele origin: germline. Affected: yes. Observed: 1 variant allele.
Comment: TMPRSS2: BS2

NM_005656.4(TMPRSS2):c.926C>T (p.Thr309Met)

Gene: TMPRSS2 (transmembrane serine protease 2; minus strand). Cytogenetic location: 21q22.3.
Variant type: single nucleotide variant.
Coding change: c.926C>T on transcript NM_005656.4 (MANE Select); coding-DNA position 926, C replaced by T.
Protein change: p.Thr309Met; replaces threonine 309 with methionine.
Molecular consequence: missense variant.
Genome position (GRCh38, 1-based): chr21:41,471,955, G>A on the plus strand (C>T on the coding strand, the complement: TMPRSS2 is on the minus strand). VCF-style: chr21-41471955-G-A. GRCh37 (hg19) VCF-style: chr21-42843882-G-A.
Other names: c.1037C>T, p.Thr346Met (NM_001135099.1); c.926C>T, p.Thr309Met (NM_001382720.1); short protein forms T309M, T346M.
Identifiers: ClinVar variation 4821396 (VCV004821396.4).
Genomic context (GRCh38, chr21:41,471,955, plus strand): 5'-TCTACTTGGTATCCGGCTCCATAGAACATGAAAGATTGTCTCAAAATCCCCGCAAATGCC[G>A]TCCAATGCCATGGATTGTTAAGAGGTCTGGGAGAGAAGAAGGACTCAGTATCTCAGAGCC-3'
Protein context (NP_005647.3, residues 299-319): EKPLNNPWHW[Thr309Met]AFAGILRQSF